The following is an entry in ClinVar:

NM_000844.4(GRM7):c.2434G>T (p.Ala812Ser)

Gene: GRM7 (glutamate metabotropic receptor 7; plus strand). Cytogenetic location: 3p26.1.
Variant type: single nucleotide variant.
Coding change: c.2434G>T on transcript NM_000844.4 (MANE Select); coding-DNA position 2434, G replaced by T.
Protein change: p.Ala812Ser; replaces alanine 812 with serine.
Molecular consequence: missense variant.
Genome position (GRCh38, 1-based): chr3:7,579,340, G>T. VCF-style: chr3-7579340-G-T. GRCh37 (hg19) VCF-style: chr3-7621027-G-T.
Other names: c.2434G>T, p.Ala812Ser (NM_181874.3); short protein forms A812S.
Identifiers: ClinVar variation 1955519 (VCV001955519.5), dbSNP rs368325842, ClinGen allele CA2235085.

ClinVar aggregate classification (germline): Uncertain significance (1 of 4 stars; one submission).

gnomAD v4.1: 1 of 1,552,034 alleles (0.000064%); highest among the groups gnomAD compares: Admixed American, 0.0019%; no homozygotes.

Submission:

Labcorp Genetics (formerly Invitae), Labcorp
Classification: Uncertain significance. Last evaluated: 2023-08-17. Review status: criteria provided, single submitter. Criteria: Invitae Variant Classification Sherloc (09022015). Collection method: clinical testing. Allele origin: germline.
Comment: This sequence change replaces alanine, which is neutral and non-polar, with serine, which is neutral and polar, at codon 812 of the GRM7 protein (p.Ala812Ser). This variant is present in population databases (rs368325842, gnomAD 0.004%). This variant has not been reported in the literature in individuals affected with GRM7-related conditions. ClinVar contains an entry for this variant (Variation ID: 1955519). Advanced modeling of protein sequence and biophysical properties (such as structural, functional, and spatial information, amino acid conservation, physicochemical variation, residue mobility, and thermodynamic stability) performed at Invitae indicates that this missense variant is not expected to disrupt GRM7 protein function. In summary, the available evidence is currently insufficient to determine the role of this variant in disease. Therefore, it has been classified as a Variant of Uncertain Significance.